The following is an entry in ClinVar:

NM_014714.4(IFT140):c.1365T>C (p.Ala455=)

Genes: IFT140 (intraflagellar transport 140; minus strand), LOC105371046 (uncharacterized LOC105371046; plus strand). Cytogenetic location: 16p13.3.
Variant type: single nucleotide variant.
Coding change: c.1365T>C on transcript NM_014714.4 (MANE Select); coding-DNA position 1365, T replaced by C.
Protein change: p.Ala455=; no amino-acid change (alanine 455 retained).
Molecular consequence: synonymous variant.
Genome position (GRCh38, 1-based): chr16:1,583,381, A>G on the plus strand (T>C on the coding strand, the complement: IFT140 is on the minus strand). VCF-style: chr16-1583381-A-G. GRCh37 (hg19) VCF-style: chr16-1633382-A-G.
Identifiers: ClinVar variation 1530581 (VCV001530581.22), dbSNP rs771279803, ClinGen allele CA7814324.

ClinVar aggregate classification (germline): Likely benign. Review status: criteria provided, multiple submitters, no conflicts (2 of 4 stars). 2 submissions from 2 submitters: Likely benign (2). Last evaluated 2024-11-19.

Conditions:
Saldino-Mainzer syndrome (SRTD9). Also called: Renal dysplasia, retinal pigmentary dystrophy, cerebellar ataxia and skeletal dysplasia; CONORENAL SYNDROME; short-rib thoracic dysplasia 9 with or without polydactyly; SHORT-RIB THORACIC DYSPLASIA 9 WITHOUT POLYDACTYLY. Identifiers: Orphanet 140969, MedGen C1849437, MONDO:0009964, OMIM 266920.

Allele frequency attached by ClinVar (database versions not stated): ExAC 0.00001; gnomAD 0.00001; gnomAD exomes 0.00001.
gnomAD v4.1: 1 of 1,613,998 alleles (0.000062%); highest among the groups gnomAD compares: Admixed American, 0.0017%; no homozygotes.

Submissions (2):

Labcorp Genetics (formerly Invitae), Labcorp
Classification: Likely benign for Saldino-Mainzer syndrome. Last evaluated: 2024-11-19. Review status: criteria provided, single submitter. Criteria: Invitae Variant Classification Sherloc (09022015). Collection method: clinical testing. Allele origin: germline.

CeGaT Center for Human Genetics Tuebingen
Classification: Likely benign. Last evaluated: 2024-11-01. Review status: criteria provided, single submitter. Criteria: CeGaT Center For Human Genetics Tuebingen Variant Classification Criteria Version 2. Collection method: clinical testing. Allele origin: germline. Affected: yes. Observed: 1 variant allele.
Comment: IFT140: BP4, BP7